The following is an entry in ClinVar:

NM_005475.3(SH2B3):c.101C>T (p.Ala34Val)

Gene: SH2B3 (SH2B adaptor protein 3; plus strand). Cytogenetic location: 12q24.12.
Variant type: single nucleotide variant.
Coding change: c.101C>T on transcript NM_005475.3 (MANE Select); coding-DNA position 101, C replaced by T.
Protein change: p.Ala34Val; replaces alanine 34 with valine.
Molecular consequence: missense variant.
Genome position (GRCh38, 1-based): chr12:111,418,246, C>T. VCF-style: chr12-111418246-C-T. GRCh37 (hg19) VCF-style: chr12-111856050-C-T.
Other names: short protein forms A34V.
Identifiers: ClinVar variation 5029466 (VCV005029466.1).

ClinVar aggregate classification (germline): Uncertain significance (1 of 4 stars; one submission).

Conditions:
Inborn genetic diseases. Identifiers: MedGen C0950123, MeSH D030342.

gnomAD v4.1: 1 of 1,547,454 alleles (0.000065%); highest among the groups gnomAD compares: Non-Finnish European, 0.000087%; no homozygotes.

Submission:

Ambry Genetics
Classification: Uncertain significance for Inborn genetic diseases. Last evaluated: 2026-07-11. Review status: criteria provided, single submitter. Criteria: Ambry Variant Classification Scheme 2023. Collection method: clinical testing. Allele origin: germline.
Comment: The p.A34V variant (also known as c.101C>T), located in coding exon 1 of the SH2B3 gene, results from a C to T substitution at nucleotide position 101. The alanine at codon 34 is replaced by valine, an amino acid with similar properties. This amino acid position is conserved. In addition, the in silico prediction for this alteration is inconclusive. Based on the available evidence, the clinical significance of this variant remains unclear.